The following is an entry in ClinVar:

ClinVar aggregate classification (germline): Uncertain significance (1 of 4 stars; one submission).

Submission:

GeneDx
Classification: Uncertain significance. Last evaluated: 2021-04-05. Review status: criteria provided, single submitter. Criteria: GeneDx Variant Classification Process June 2021. Collection method: clinical testing. Allele origin: germline. Affected: yes.
Comment: Not observed in large population cohorts (Lek 2016); In silico analysis supports that this missense variant does not alter protein structure/function; Has not been previously published as pathogenic or benign to our knowledge

NM_002485.5(NBN):c.724G>C (p.Val242Leu)

Gene: NBN (nibrin; minus strand). Cytogenetic location: 8q21.3.
Variant type: single nucleotide variant.
Coding change: c.724G>C on transcript NM_002485.5 (MANE Select); coding-DNA position 724, G replaced by C.
Protein change: p.Val242Leu; replaces valine 242 with leucine.
Molecular consequence: missense variant.
Genome position (GRCh38, 1-based): chr8:89,970,536, C>G on the plus strand (G>C on the coding strand, the complement: NBN is on the minus strand). VCF-style: chr8-89970536-C-G. GRCh37 (hg19) VCF-style: chr8-90982764-C-G.
Other names: c.478G>C, p.Val160Leu (NM_001024688.3); short protein forms V160L, V242L.
Identifiers: ClinVar variation 1314629 (VCV001314629.2), dbSNP rs1434146100, ClinGen allele CA371658856.
Genomic context (GRCh38, chr8:89,970,536, plus strand): 5'-AATTATGTTCTTCTTCATTCTCTTCTGTTATCAACCTAGCTTCCCCACCTCCAAAGACAA[C>G]TGCGGAACTCAATTTCTTATGCTAAAAATGGAAGGAAACATTTTTTAAAGTAAAATGTAG-3'
Protein context (NP_002476.2, residues 232-252): AKQHKKLSSA[Val242Leu]VFGGGEARLI